The following is an entry in ClinVar:

ClinVar aggregate classification (germline): Uncertain significance (1 of 4 stars; one submission).

gnomAD v4.1: 4 of 1,601,624 alleles (0.00025%); highest among the groups gnomAD compares: Admixed American, 0.005%; no homozygotes.

Submission:

Labcorp Genetics (formerly Invitae), Labcorp
Classification: Uncertain significance. Last evaluated: 2025-12-14. Review status: criteria provided, single submitter. Criteria: Invitae Variant Classification Sherloc (09022015). Collection method: clinical testing. Allele origin: germline.
Comment: This sequence change replaces glutamic acid, which is acidic and polar, with valine, which is neutral and non-polar, at codon 809 of the MYO3A protein (p.Glu809Val). This variant is present in population databases (no rsID available, gnomAD 0.006%). This variant has not been reported in the literature in individuals affected with MYO3A-related conditions. Invitae Evidence Modeling of protein sequence and biophysical properties (such as structural, functional, and spatial information, amino acid conservation, physicochemical variation, residue mobility, and thermodynamic stability) indicates that this missense variant is not expected to disrupt MYO3A protein function with a negative predictive value of 80%. In summary, the available evidence is currently insufficient to determine the role of this variant in disease. Therefore, it has been classified as a Variant of Uncertain Significance.

NM_017433.5(MYO3A):c.2426A>T (p.Glu809Val)

Gene: MYO3A (myosin IIIA; plus strand). Cytogenetic location: 10p12.1.
Variant type: single nucleotide variant.
Coding change: c.2426A>T on transcript NM_017433.5 (MANE Select); coding-DNA position 2426, A replaced by T.
Protein change: p.Glu809Val; replaces glutamic acid 809 with valine.
Molecular consequence: missense variant.
Genome position (GRCh38, 1-based): chr10:26,145,455, A>T. VCF-style: chr10-26145455-A-T. GRCh37 (hg19) VCF-style: chr10-26434384-A-T.
Other names: short protein forms E809V.
Identifiers: ClinVar variation 4698073 (VCV004698073.1).